The following is an entry in ClinVar:

ClinVar aggregate classification (germline): Uncertain significance. Review status: criteria provided, multiple submitters, no conflicts (2 of 4 stars). 2 submissions from 2 submitters: Uncertain significance (2). Last evaluated 2024-10-20.

Conditions:
2-aminoadipic 2-oxoadipic aciduria (AAKAD). Also called: Aminoadipic aciduria; ALPHA-AMINOADIPIC AND ALPHA-KETOADIPIC ACIDURIA. Identifiers: Orphanet 79154, MedGen C1859817, MONDO:0008774, OMIM 204750.
Inborn genetic diseases. Identifiers: MedGen C0950123, MeSH D030342.

Allele frequency attached by ClinVar (database versions not stated): gnomAD exomes 0.00001 and 0.00002; gnomAD 0.00002; TOPMed 0.00003.
gnomAD v4.1: 33 of 1,613,996 alleles (0.002%); highest among the groups gnomAD compares: African/African-American, 0.0027%; no homozygotes.

Submissions (2):

Ambry Genetics
Classification: Uncertain significance for Inborn genetic diseases. Last evaluated: 2024-10-20. Review status: criteria provided, single submitter. Criteria: Ambry Variant Classification Scheme 2023. Collection method: clinical testing. Allele origin: germline.

Labcorp Genetics (formerly Invitae), Labcorp
Classification: Uncertain significance for 2-aminoadipic 2-oxoadipic aciduria. Last evaluated: 2023-05-02. Review status: criteria provided, single submitter. Criteria: Invitae Variant Classification Sherloc (09022015). Collection method: clinical testing. Allele origin: germline.
Comment: This variant is present in population databases (no rsID available, gnomAD 0.004%). In summary, the available evidence is currently insufficient to determine the role of this variant in disease. Therefore, it has been classified as a Variant of Uncertain Significance. Advanced modeling of protein sequence and biophysical properties (such as structural, functional, and spatial information, amino acid conservation, physicochemical variation, residue mobility, and thermodynamic stability) performed at Invitae indicates that this missense variant is expected to disrupt DHTKD1 protein function. ClinVar contains an entry for this variant (Variation ID: 1470147). This variant has not been reported in the literature in individuals affected with DHTKD1-related conditions. This sequence change replaces leucine, which is neutral and non-polar, with arginine, which is basic and polar, at codon 205 of the DHTKD1 protein (p.Leu205Arg).

NM_018706.7(DHTKD1):c.614T>G (p.Leu205Arg)

Gene: DHTKD1 (dehydrogenase E1 and transketolase domain containing 1; plus strand). Cytogenetic location: 10p14.
Variant type: single nucleotide variant.
Coding change: c.614T>G on transcript NM_018706.7 (MANE Select); coding-DNA position 614, T replaced by G.
Protein change: p.Leu205Arg; replaces leucine 205 with arginine.
Molecular consequence: missense variant.
Genome position (GRCh38, 1-based): chr10:12,087,626, T>G. VCF-style: chr10-12087626-T-G. GRCh37 (hg19) VCF-style: chr10-12129625-T-G.
Other names: c.614T>G (NM_018706.5); short protein forms L205R.
Identifiers: ClinVar variation 1470147 (VCV001470147.9), dbSNP rs996258907, ClinGen allele CA202581761.